The following is an entry in ClinVar:

ClinVar aggregate classification (germline): Uncertain significance (1 of 4 stars; one submission).

Allele frequency attached by ClinVar (database versions not stated): ExAC 0.00002; gnomAD exomes 0.00002.
gnomAD v4.1: 10 of 1,614,140 alleles (0.00062%); highest among the groups gnomAD compares: Non-Finnish European, 0.00051%; no homozygotes.

Submission:

Labcorp Genetics (formerly Invitae), Labcorp
Classification: Uncertain significance. Last evaluated: 2025-03-13. Review status: criteria provided, single submitter. Criteria: Invitae Variant Classification Sherloc (09022015). Collection method: clinical testing. Allele origin: germline.
Comment: This sequence change replaces proline, which is neutral and non-polar, with leucine, which is neutral and non-polar, at codon 151 of the DIP2C protein (p.Pro151Leu). This variant is present in population databases (rs748682540, gnomAD 0.02%). This variant has not been reported in the literature in individuals affected with DIP2C-related conditions. ClinVar contains an entry for this variant (Variation ID: 2712026). An algorithm developed to predict the effect of missense changes on protein structure and function (PolyPhen-2) suggests that this variant is likely to be tolerated. In summary, the available evidence is currently insufficient to determine the role of this variant in disease. Therefore, it has been classified as a Variant of Uncertain Significance.

NM_014974.3(DIP2C):c.452C>T (p.Pro151Leu)

Gene: DIP2C (DIP2 acetate--CoA ligase C (putative); minus strand). Cytogenetic location: 10p15.3.
Variant type: single nucleotide variant.
Coding change: c.452C>T on transcript NM_014974.3 (MANE Select); coding-DNA position 452, C replaced by T.
Protein change: p.Pro151Leu; replaces proline 151 with leucine.
Molecular consequence: missense variant.
Genome position (GRCh38, 1-based): chr10:422,976, G>A on the plus strand (C>T on the coding strand, the complement: DIP2C is on the minus strand). VCF-style: chr10-422976-G-A. GRCh37 (hg19) VCF-style: chr10-468916-G-A.
Other names: short protein forms P151L.
Identifiers: ClinVar variation 2712026 (VCV002712026.3), dbSNP rs748682540, ClinGen allele CA5381329.
Genomic context (GRCh38, chr10:422,976, plus strand): 5'-GAGCCGTGGATGGCCTGGCTGATCCAGTGCTCCATATTGATGCTGCCCTGGCTGGAGGTG[G>A]GGGTGCCCTGGGAGTCCCCCTGCACTGAGCCTTCATCTTCTGAGCCAGAAGAGGTATCTG-3'
Protein context (NP_055789.1, residues 141-161): GSVQGDSQGT[Pro151Leu]TSSQGSINME